The following is an entry in ClinVar:

ClinVar aggregate classification (germline): Uncertain significance. Review status: criteria provided, single submitter (1 of 4 stars). 2 submissions from 2 submitters: Uncertain significance (1). 1 of the submissions does not count toward it. Last evaluated 2021-12-14.

Conditions:
Glycogen storage disease type III (GSD3). Also called: FORBES DISEASE; Cori disease. Identifiers: Orphanet 366, MedGen C0017922, MONDO:0009291, OMIM 232400.

Allele frequency attached by ClinVar (database versions not stated): gnomAD 0.00001; TOPMed 0.00002.

Submissions (2):

Labcorp Genetics (formerly Invitae), Labcorp
Classification: Uncertain significance for Glycogen storage disease type III. Last evaluated: 2021-12-14. Review status: criteria provided, single submitter. Criteria: Invitae Variant Classification Sherloc (09022015). Collection method: clinical testing. Allele origin: germline.
Comment: This sequence change replaces glycine, which is neutral and non-polar, with valine, which is neutral and non-polar, at codon 690 of the AGL protein (p.Gly690Val). This variant is present in population databases (no rsID available, gnomAD 0.01%). This variant has not been reported in the literature in individuals affected with AGL-related conditions. ClinVar contains an entry for this variant (Variation ID: 456465). Algorithms developed to predict the effect of missense changes on protein structure and function are either unavailable or do not agree on the potential impact of this missense change (SIFT: "Deleterious"; PolyPhen-2: "Benign"; Align-GVGD: "Class C0"). In summary, the available evidence is currently insufficient to determine the role of this variant in disease. Therefore, it has been classified as a Variant of Uncertain Significance.

Natera, Inc.
Classification: Uncertain significance for Glycogen storage disease type III. Last evaluated: 2020-08-06. Review status: no assertion criteria provided. Collection method: clinical testing. Allele origin: germline. Not counted in ClinVar's aggregate classification.

NM_000642.3(AGL):c.2069G>T (p.Gly690Val)

Gene: AGL (amylo-alpha-1,6-glucosidase and 4-alpha-glucanotransferase; plus strand). Cytogenetic location: 1p21.2.
Variant type: single nucleotide variant.
Coding change: c.2069G>T on transcript NM_000642.3 (MANE Select); coding-DNA position 2069, G replaced by T.
Protein change: p.Gly690Val; replaces glycine 690 with valine.
Molecular consequence: missense variant.
Genome position (GRCh38, 1-based): chr1:99,881,359, G>T. VCF-style: chr1-99881359-G-T. GRCh37 (hg19) VCF-style: chr1-100346915-G-T.
Other names: c.2069G>T, p.Gly690Val (NM_000028.3, NM_000643.3, NM_000644.3 and 2 more transcripts); c.2021G>T, p.Gly674Val (NM_000646.3); c.1868G>T, p.Gly623Val (NM_001425327.1); c.1865G>T, p.Gly622Val (NM_001425328.1, NM_001425329.1); c.1691G>T, p.Gly564Val (NM_001425332.1); short protein forms G690V, G674V, G564V, G622V, G623V.
Identifiers: ClinVar variation 456465 (VCV000456465.8), dbSNP rs749075109, ClinGen allele CA341318912.
Genomic context (GRCh38, chr1:99,881,359, plus strand): 5'-TGGTTTCTGAAGAACGGTTTTACACTAAGTGGAATCCTGAAGCATTGCCTTCAAACACAG[G>T]TGAAGTTAATTTCCAAAGCGGCATTATTGCAGCCAGGTGTGCTATCAGTAAACTTCATCA-3'
Protein context (NP_000633.2, residues 680-700): WNPEALPSNT[Gly690Val]EVNFQSGIIA